The following is an entry in ClinVar:

NM_014762.4(DHCR24):c.280C>T (p.Arg94Cys)

Gene: DHCR24 (24-dehydrocholesterol reductase; minus strand). Cytogenetic location: 1p32.3.
Variant type: single nucleotide variant.
Coding change: c.280C>T on transcript NM_014762.4 (MANE Select); coding-DNA position 280, C replaced by T.
Protein change: p.Arg94Cys; replaces arginine 94 with cysteine.
Molecular consequence: missense variant.
Genome position (GRCh38, 1-based): chr1:54,883,725, G>A on the plus strand (C>T on the coding strand, the complement: DHCR24 is on the minus strand). VCF-style: chr1-54883725-G-A. GRCh37 (hg19) VCF-style: chr1-55349398-G-A.
Other names: short protein forms R94C.
Identifiers: ClinVar variation 1462055 (VCV001462055.6), dbSNP rs1570204517, ClinGen allele CA340464994.

ClinVar aggregate classification (germline): Uncertain significance (1 of 4 stars; one submission).

Allele frequency attached by ClinVar (database versions not stated): gnomAD exomes 0.00001.

Submission:

Labcorp Genetics (formerly Invitae), Labcorp
Classification: Uncertain significance. Last evaluated: 2021-12-13. Review status: criteria provided, single submitter. Criteria: Invitae Variant Classification Sherloc (09022015). Collection method: clinical testing. Allele origin: germline.
Comment: In summary, the available evidence is currently insufficient to determine the role of this variant in disease. Therefore, it has been classified as a Variant of Uncertain Significance. Algorithms developed to predict the effect of missense changes on protein structure and function (SIFT, PolyPhen-2, Align-GVGD) all suggest that this variant is likely to be disruptive. This variant has not been reported in the literature in individuals affected with DHCR24-related conditions. This variant is not present in population databases (gnomAD no frequency). This sequence change replaces arginine, which is basic and polar, with cysteine, which is neutral and slightly polar, at codon 94 of the DHCR24 protein (p.Arg94Cys).